The following is an entry in ClinVar:

NM_000051.4(ATM):c.1899-3_1899-2delinsTG

Gene: ATM (ATM serine/threonine kinase; plus strand). Cytogenetic location: 11q22.3.
Variant type: Indel.
Coding change: c.1899-3_1899-2delinsTG on transcript NM_000051.4 (MANE Select); 3 bases into the intron before coding-DNA position 1899 through the canonical splice acceptor site of the intron before coding-DNA position 1899, AA replaced by TG.
Molecular consequence: splice acceptor variant.
Genome position (GRCh38, 1-based): chr11:108,253,811-108,253,812, AA replaced by TG. VCF-style: chr11-108253811-AA-TG. GRCh37 (hg19) VCF-style: chr11-108124538-AA-TG.
Other names: c.1899-3_1899-2delinsTG (NM_001351834.2).
Identifiers: ClinVar variation 2825801 (VCV002825801.3), dbSNP rs2497308278, ClinGen allele CA2739270940.

ClinVar aggregate classification (germline): Likely pathogenic (1 of 4 stars; one submission).

Conditions:
Ataxia-telangiectasia syndrome (AT). Also called: ATAXIA-TELANGIECTASIA, COMPLEMENTATION GROUP A; Ataxia telangiectasia (A-T); Cerebello-oculocutaneous telangiectasia; Immunodeficiency with ataxia telangiectasia; LOUIS-BAR SYNDROME; ATAXIA-TELANGIECTASIA, FRESNO VARIANT. Identifiers: Orphanet 100, MedGen C0004135, MONDO:0008840, OMIM 208900.

Submission:

Labcorp Genetics (formerly Invitae), Labcorp
Classification: Likely pathogenic for Ataxia-telangiectasia syndrome. Last evaluated: 2023-01-01. Review status: criteria provided, single submitter. Criteria: Invitae Variant Classification Sherloc (09022015). Collection method: clinical testing. Allele origin: germline.
Comment: Information on the frequency of this variant in the gnomAD database is not available, as this variant may be reported differently in the database. This sequence change affects a splice site in intron 12 of the ATM gene. It is expected to disrupt RNA splicing. Variants that disrupt the donor or acceptor splice site typically lead to a loss of protein function (PMID: 16199547), and loss-of-function variants in ATM are known to be pathogenic (PMID: 23807571, 25614872). This variant has not been reported in the literature in individuals affected with ATM-related conditions. In summary, the currently available evidence indicates that the variant is pathogenic, but additional data are needed to prove that conclusively. Therefore, this variant has been classified as Likely Pathogenic.

Literature cited by the submitters: PubMed 16199547; PubMed 23807571; PubMed 25614872.